The following is an entry in ClinVar:

NM_000368.5(TSC1):c.2868G>A (p.Gln956=)

Gene: TSC1 (TSC complex subunit 1; minus strand). Cytogenetic location: 9q34.13.
Variant type: single nucleotide variant.
Coding change: c.2868G>A on transcript NM_000368.5 (MANE Select); coding-DNA position 2868, G replaced by A.
Protein change: p.Gln956=; no amino-acid change (glutamine 956 retained).
Molecular consequence: synonymous variant.
Genome position (GRCh38, 1-based): chr9:132,897,291, C>T on the plus strand (G>A on the coding strand, the complement: TSC1 is on the minus strand). VCF-style: chr9-132897291-C-T. GRCh37 (hg19) VCF-style: chr9-135772678-C-T.
Other names: c.2865G>A, p.Gln955= (NM_001162426.2); c.2715G>A, p.Gln905= (NM_001162427.2); c.2505G>A, p.Gln835= (NM_001362177.2).
Identifiers: ClinVar variation 1547481 (VCV001547481.11), dbSNP rs2131626958, ClinGen allele CA467812674.

ClinVar aggregate classification (germline): Benign/Likely benign. Review status: criteria provided, multiple submitters, no conflicts (2 of 4 stars). 3 submissions from 3 submitters: Benign (1); Likely benign (2). Last evaluated 2025-05-11.

Conditions:
Tuberous sclerosis 1 (TSC1). Identifiers: Orphanet 805, MedGen C1854465, MONDO:0008612, OMIM 191100.
Hereditary cancer-predisposing syndrome. Also called: Neoplastic Syndromes, Hereditary; Tumor predisposition; Hereditary neoplastic syndrome; Hereditary Cancer Syndrome. Identifiers: Orphanet 140162, MedGen C0027672, MeSH D009386, MONDO:0015356.

Allele frequency attached by ClinVar (database versions not stated): gnomAD exomes below 0.00001.
gnomAD v4.1: 1 of 1,614,200 alleles (0.000062%); highest among the groups gnomAD compares: Non-Finnish European, 0.000085%; no homozygotes.

Submissions (3):

Labcorp Genetics (formerly Invitae), Labcorp
Classification: Likely benign for Tuberous sclerosis 1. Last evaluated: 2025-05-11. Review status: criteria provided, single submitter. Criteria: Invitae Variant Classification Sherloc (09022015). Collection method: clinical testing. Allele origin: germline.

Myriad Genetics, Inc.
Classification: Benign for Tuberous sclerosis 1. Last evaluated: 2025-04-29. Review status: criteria provided, single submitter. Criteria: Myriad Autosomal Dominant, Autosomal Recessive and X-Linked Classification Criteria (2023). Collection method: clinical testing. Allele origin: unknown.
Comment: This variant is considered benign. This variant is a silent/synonymous amino acid change and it is not expected to impact splicing.

Ambry Genetics
Classification: Likely benign for Hereditary cancer-predisposing syndrome. Last evaluated: 2020-02-04. Review status: criteria provided, single submitter. Criteria: Ambry Variant Classification Scheme 2023. Collection method: clinical testing. Allele origin: germline.